The following is an entry in ClinVar:

ClinVar aggregate classification (germline): Conflicting classifications of pathogenicity. Review status: criteria provided, conflicting classifications (1 of 4 stars). 3 submissions from 3 submitters: Likely pathogenic (1); Uncertain significance (2). Last evaluated 2026-04-02.

Conditions:
Inherited Immunodeficiency Diseases. Identifiers: MedGen C5197805, MeSH D000081207.
X-linked agammaglobulinemia with growth hormone deficiency (IGHD3). Also called: ISOLATED GROWTH HORMONE DEFICIENCY, TYPE III, WITH AGAMMAGLOBULINEMIA; Isolated growth hormone deficiency type 3; Growth hormone deficiency with hypogammaglobulinemia; AGAMMAGLOBULINEMIA AND ISOLATED GROWTH HORMONE DEFICIENCY, X-LINKED; FLEISHER SYNDROME; HYPOGAMMAGLOBULINEMIA AND ISOLATED GROWTH HORMONE DEFICIENCY, X-LINKED. Identifiers: Orphanet 231692, Orphanet 631, MedGen C0472813, MONDO:0010615, OMIM 307200.

Allele frequency attached by ClinVar (database versions not stated): gnomAD exomes 0.00001.
gnomAD v4.1: 11 of 1,211,606 alleles (0.00091%); highest among the groups gnomAD compares: South Asian, 0.0018%; no homozygotes.

Submissions (3):

Women's Health and Genetics/Laboratory Corporation of America, LabCorp
Classification: Uncertain significance. Last evaluated: 2026-04-02. Review status: criteria provided, single submitter. Criteria: LabCorp Variant Classification Summary - May 2015. Collection method: clinical testing. Allele origin: germline.
Comment: Variant summary: BTK c.764G>A (p.Arg255Gln) results in a conservative amino acid change in the encoded protein sequence. Algorithms developed to predict the effect of missense changes on protein structure and function are either unavailable or do not agree on the potential impact of this missense change. The variant was absent in 183126 control chromosomes (gnomAD). The available data on variant occurrences in the general population are insufficient to allow any conclusion about variant significance. c.764G>A has been observed in individual(s) affected with features of X-linked agammaglobulinemia (Thaventhiran_2020). These data do not allow any conclusion about variant significance. To our knowledge, no experimental evidence demonstrating an impact on protein function has been reported. ClinVar contains an entry for this variant (Variation ID: 827691). Based on the evidence outlined above, the variant was classified as uncertain significance.

Labcorp Genetics (formerly Invitae), Labcorp
Classification: Uncertain significance for X-linked agammaglobulinemia with growth hormone deficiency. Last evaluated: 2025-07-21. Review status: criteria provided, single submitter. Criteria: Invitae Variant Classification Sherloc (09022015). Collection method: clinical testing. Allele origin: germline.
Comment: This sequence change replaces arginine, which is basic and polar, with glutamine, which is neutral and polar, at codon 255 of the BTK protein (p.Arg255Gln). This variant is not present in population databases (gnomAD no frequency). This missense change has been observed in individual(s) with clinical features of BTK-related conditions (PMID: 32499645). ClinVar contains an entry for this variant (Variation ID: 827691). Invitae Evidence Modeling of protein sequence and biophysical properties (such as structural, functional, and spatial information, amino acid conservation, physicochemical variation, residue mobility, and thermodynamic stability) indicates that this missense variant is not expected to disrupt BTK protein function with a negative predictive value of 95%. In summary, the available evidence is currently insufficient to determine the role of this variant in disease. Therefore, it has been classified as a Variant of Uncertain Significance.

NIHR Bioresource Rare Diseases, University of Cambridge
Classification: Likely pathogenic for Inherited Immunodeficiency Diseases. Last evaluated: 2019-01-01. Review status: criteria provided, single submitter. Criteria: ACMG Guidelines, 2015. Collection method: research. Allele origin: germline. Affected: yes. Observed: 1 hemizygote.

Literature cited by the submitters: PubMed 32499645 (cited by Women's Health and Genetics/Laboratory Corporation of America, LabCorp and Labcorp Genetics (formerly Invitae), Labcorp).

NM_000061.3(BTK):c.764G>A (p.Arg255Gln)

Gene: BTK (Bruton tyrosine kinase; minus strand). Cytogenetic location: Xq22.1.
Variant type: single nucleotide variant.
Coding change: c.764G>A on transcript NM_000061.3 (MANE Select); coding-DNA position 764, G replaced by A.
Protein change: p.Arg255Gln; replaces arginine 255 with glutamine.
Molecular consequence: missense variant.
Genome position (GRCh38, 1-based): chrX:101,360,580, C>T on the plus strand (G>A on the coding strand, the complement: BTK is on the minus strand). VCF-style: chrX-101360580-C-T. GRCh37 (hg19) VCF-style: chrX-100615568-C-T.
Other names: c.866G>A, p.Arg289Gln (NM_001287344.2); c.764G>A, p.Arg255Gln (NM_001287345.2); short protein forms R289Q, R255Q.
Identifiers: ClinVar variation 827691 (VCV000827691.3), dbSNP rs1603008329, ClinGen allele CA413931575.